The following is an entry in ClinVar:

NM_213599.3(ANO5):c.2389G>A (p.Glu797Lys)

Gene: ANO5 (anoctamin 5; plus strand). Cytogenetic location: 11p14.3.
Variant type: single nucleotide variant.
Coding change: c.2389G>A on transcript NM_213599.3 (MANE Select); coding-DNA position 2389, G replaced by A.
Protein change: p.Glu797Lys; replaces glutamic acid 797 with lysine.
Molecular consequence: missense variant.
Genome position (GRCh38, 1-based): chr11:22,274,722, G>A. VCF-style: chr11-22274722-G-A. GRCh37 (hg19) VCF-style: chr11-22296268-G-A.
Other names: c.2386G>A, p.Glu796Lys (NM_001142649.2); c.2347G>A, p.Glu783Lys (NM_001410963.1); c.2344G>A, p.Glu782Lys (NM_001410964.1); short protein forms E797K, E782K, E783K, E796K.
Identifiers: ClinVar variation 1901501 (VCV001901501.5), dbSNP rs769902085, ClinGen allele CA5923535.

ClinVar aggregate classification (germline): Uncertain significance (1 of 4 stars; one submission).

Conditions:
Autosomal recessive limb-girdle muscular dystrophy type 2L (LGMDR12). Also called: MUSCULAR DYSTROPHY, LIMB-GIRDLE, AUTOSOMAL RECESSIVE 12; Limb-Girdle Muscular Dystrophy R12 Anoctamin-5-Related (LGMD-R12); Limb-girdle muscular dystrophy, type 2L. Identifiers: Orphanet 206549, MedGen C1969785, MONDO:0012652, OMIM 611307.
Gnathodiaphyseal dysplasia (GDD). Also called: GNATHODIAPHYSEAL SCLEROSIS; OSTEOGENESIS IMPERFECTA WITH UNUSUAL SKELETAL LESIONS. Identifiers: Orphanet 53697, MedGen C1833736, MONDO:0008151, OMIM 166260.

Allele frequency attached by ClinVar (database versions not stated): ExAC 0.00001.
gnomAD v4.1: 8 of 1,613,298 alleles (0.0005%); highest among the groups gnomAD compares: South Asian, 0.0088%; no homozygotes.

Submission:

Labcorp Genetics (formerly Invitae), Labcorp
Classification: Uncertain significance for Autosomal recessive limb-girdle muscular dystrophy type 2L; Gnathodiaphyseal dysplasia. Last evaluated: 2024-09-23. Review status: criteria provided, single submitter. Criteria: Invitae Variant Classification Sherloc (09022015). Collection method: clinical testing. Allele origin: germline.
Comment: This sequence change replaces glutamic acid, which is acidic and polar, with lysine, which is basic and polar, at codon 797 of the ANO5 protein (p.Glu797Lys). This variant is present in population databases (rs769902085, gnomAD 0.01%). This variant has not been reported in the literature in individuals affected with ANO5-related conditions. ClinVar contains an entry for this variant (Variation ID: 1901501). Invitae Evidence Modeling of protein sequence and biophysical properties (such as structural, functional, and spatial information, amino acid conservation, physicochemical variation, residue mobility, and thermodynamic stability) indicates that this missense variant is not expected to disrupt ANO5 protein function with a negative predictive value of 95%. In summary, the available evidence is currently insufficient to determine the role of this variant in disease. Therefore, it has been classified as a Variant of Uncertain Significance.